The following is an entry in ClinVar:

ClinVar aggregate classification (germline): Pathogenic. Review status: reviewed by expert panel (3 of 4 stars). 2 submissions from 2 submitters: Pathogenic (1). 1 of the submissions does not count toward it. Last evaluated 2017-12-15.

Conditions:
Hereditary breast ovarian cancer syndrome. Also called: Hereditary breast and ovarian cancer syndrome (HBOC); Hereditary breast and ovarian cancer syndrome; Hereditary breast and ovarian cancer; Hereditary breast and/or ovarian cancer syndrome; Breast and ovarian cancer; BRCA1- and BRCA2-Associated Hereditary Breast and Ovarian Cancer. Identifiers: Orphanet 145, MedGen C0677776, MeSH D061325, MONDO:0003582. Disease mechanism: loss of function.
Breast-ovarian cancer, familial, susceptibility to, 1 (BROVCA1). Also called: OVARIAN CANCER, SUSCEPTIBILITY TO; BRCA1 Hereditary Breast and Ovarian Cancer. Identifiers: Orphanet 145, MedGen C2676676, MONDO:0011450, OMIM 604370. Disease mechanism: loss of function.

Submissions (2):

Evidence-based Network for the Interpretation of Germline Mutant Alleles (ENIGMA)
Classification: Pathogenic for Breast-ovarian cancer, familial, susceptibility to, 1. Last evaluated: 2017-12-15. Review status: reviewed by expert panel. Criteria: ENIGMA BRCA1/2 Classification Criteria (2017-06-29). Collection method: curation. Allele origin: germline. Study: ENIGMA.
Comment: Variant allele predicted to encode a truncated non-functional protein.

Research Molecular Genetics Laboratory, Women's College Hospital, University of Toronto
Classification: Pathogenic for Hereditary breast ovarian cancer syndrome. Last evaluated: 2014-01-31. Review status: no assertion criteria provided. Collection method: research. Allele origin: germline. Affected: yes. Study: The Canadian Open Genetics Repository (COGR). Not counted in ClinVar's aggregate classification.

NM_007294.4(BRCA1):c.2974_2990del (p.Thr992fs)

Gene: BRCA1 (BRCA1 DNA repair associated; minus strand). Cytogenetic location: 17q21.31.
Variant type: Deletion.
Coding change: c.2974_2990del on transcript NM_007294.4 (MANE Select); coding-DNA positions 2974 to 2990, 17 bases deleted (ACTAAATGTAAGAAAAA).
Protein change: p.Thr992fs; shifts the reading frame from threonine 992.
Molecular consequence: frameshift variant. On other transcripts: intron variant (137).
Genome position (GRCh38, 1-based): chr17:43,092,541-43,092,557, TTTTTCTTACATTTAGT deleted on the plus strand (ACTAAATGTAAGAAAAA on the coding strand, the reverse complement: BRCA1 is on the minus strand); deleting any 17 consecutive bases within chr17:43,092,541-43,092,560 gives the same sequence; the c. name uses the placement nearest the transcript's 3' end. VCF-style (leftmost placement, unchanged base first): chr17-43092540-ATTTTTCTTACATTTAGT-A. GRCh37 (hg19) VCF-style: chr17-41244557-ATTTTTCTTACATTTAGT-A.
Other names: c.2974_2990delACTAAATGTAAGAAAAA (NM_007294.3); c.2761_2777del, p.Thr921fs (NM_001407571.1, NM_001407853.1, NM_001407894.1 and 9 more transcripts); c.2974_2990del, p.Thr992fs (NM_001407581.1, NM_001407582.1, NM_001407583.1 and 30 more transcripts); c.2971_2987del, p.Thr991fs (NM_001407587.1, NM_001407590.1, NM_001407591.1 and 22 more transcripts); c.2965_2981del, p.Thr989fs (NM_001407646.1, NM_001407647.1); c.2851_2867del, p.Thr951fs (NM_001407648.1, NM_001407664.1, NM_001407665.1 and 19 more transcripts); c.2848_2864del, p.Thr950fs (NM_001407649.1, NM_001407670.1, NM_001407671.1 and 11 more transcripts); c.2896_2912del, p.Thr966fs (NM_001407653.1, NM_001407654.1, NM_001407655.1 and 4 more transcripts); and 42 more; short protein forms T945fs, T992fs, T865fs, T881fs, T903fs, T904fs, T925fs, T989fs.
Identifiers: ClinVar variation 54736 (VCV000054736.3), dbSNP rs397509031, ClinGen allele CA001932.